The following is an entry in ClinVar:

ClinVar aggregate classification (germline): Conflicting classifications of pathogenicity. Review status: criteria provided, conflicting classifications (1 of 4 stars). 4 submissions from 4 submitters: Uncertain significance (3); Likely benign (1). Last evaluated 2026-03-01.

Conditions:
Inborn genetic diseases. Identifiers: MedGen C0950123, MeSH D030342.
PRPF31-related disorder. Also called: PRPF31-related condition.

Allele frequency attached by ClinVar (database versions not stated): TOPMed 0.00005; gnomAD 0.00007; gnomAD exomes 0.00008; ExAC 0.00016.
gnomAD v4.1: 126 of 1,612,356 alleles (0.0078%); highest among the groups gnomAD compares: Middle Eastern, 0.033%; no homozygotes.

Submissions (4):

PreventionGenetics, part of Exact Sciences
Classification: Uncertain significance for PRPF31-related condition. Last evaluated: 2026-03-01. Review status: criteria provided, single submitter. Criteria: ACMG Guidelines, 2015. Collection method: clinical testing. Allele origin: germline.
Comment: The PRPF31 c.574G>A variant is predicted to result in the amino acid substitution p.Asp192Asn. This variant was reported in an individual with retinitis pigmentosa (supplementary data, Weisschuh et al. 2024. PubMed ID: 37734845). However, this variant is reported in 0.026% of alleles in individuals of South Asian descent in gnomAD, which may be too frequent to be a primary cause of disease. Although we suspect that this variant may be benign, at this time, the clinical significance of this variant is uncertain due to the absence of conclusive functional and genetic evidence.

Ambry Genetics
Classification: Uncertain significance for Inborn genetic diseases. Last evaluated: 2025-04-09. Review status: criteria provided, single submitter. Criteria: Ambry Variant Classification Scheme 2023. Collection method: clinical testing. Allele origin: germline.

Labcorp Genetics (formerly Invitae), Labcorp
Classification: Uncertain significance. Last evaluated: 2025-03-17. Review status: criteria provided, single submitter. Criteria: Invitae Variant Classification Sherloc (09022015). Collection method: clinical testing. Allele origin: germline.
Comment: This sequence change replaces aspartic acid, which is acidic and polar, with asparagine, which is neutral and polar, at codon 192 of the PRPF31 protein (p.Asp192Asn). This variant is present in population databases (rs751651077, gnomAD 0.03%). This missense change has been observed in individual(s) with inherited retinal dystrophy (PMID: 37734845). ClinVar contains an entry for this variant (Variation ID: 1897220). An algorithm developed to predict the effect of missense changes on protein structure and function (PolyPhen-2) suggests that this variant is likely to be tolerated. In summary, the available evidence is currently insufficient to determine the role of this variant in disease. Therefore, it has been classified as a Variant of Uncertain Significance.

Blueprint Genetics
Classification: Likely benign. Last evaluated: 2024-04-05. Review status: criteria provided, single submitter. Criteria: ACMG Guidelines, 2015. Collection method: clinical testing. Allele origin: germline.

Literature cited by the submitters: PubMed 37734845 (cited by Labcorp Genetics (formerly Invitae), Labcorp).

NM_015629.4(PRPF31):c.574G>A (p.Asp192Asn)

Gene: PRPF31 (pre-mRNA processing factor 31; plus strand). Cytogenetic location: 19q13.42.
Variant type: single nucleotide variant.
Coding change: c.574G>A on transcript NM_015629.4 (MANE Select); coding-DNA position 574, G replaced by A.
Protein change: p.Asp192Asn; replaces aspartic acid 192 with asparagine.
Molecular consequence: missense variant.
Genome position (GRCh38, 1-based): chr19:54,123,795, G>A. VCF-style: chr19-54123795-G-A. GRCh37 (hg19) VCF-style: chr19-54627174-G-A.
Other names: short protein forms D192N.
Identifiers: ClinVar variation 1897220 (VCV001897220.9), dbSNP rs751651077, ClinGen allele CA309325162.
Genomic context (GRCh38, chr19:54,123,795, plus strand): 5'-ACCCGCCCCTGCAGGCAGCAGCTGTCGGAGGAGGAGCTGGAGCGGCTGGAGGAGGCCTGC[G>A]ACATGGCGCTGGAGCTGAACGCCTCCAAGCACCGCATCTACGAGTATGTGGAGTCCCGGA-3'
Protein context (NP_056444.3, residues 182-202): EELERLEEAC[Asp192Asn]MALELNASKH